The following is an entry in ClinVar:

NM_001330078.2(NRXN1):c.3473C>T (p.Thr1158Ile)

Gene: NRXN1 (neurexin 1; minus strand). Cytogenetic location: 2p16.3.
Variant type: single nucleotide variant.
Coding change: c.3473C>T on transcript NM_001330078.2 (MANE Select); coding-DNA position 3473, C replaced by T.
Protein change: p.Thr1158Ile; replaces threonine 1158 with isoleucine.
Molecular consequence: missense variant.
Genome position (GRCh38, 1-based): chr2:50,236,862, G>A on the plus strand (C>T on the coding strand, the complement: NRXN1 is on the minus strand). VCF-style: chr2-50236862-G-A. GRCh37 (hg19) VCF-style: chr2-50464000-G-A.
Other names: c.3593C>T, p.Thr1198Ile (NM_001135659.3); c.3449C>T, p.Thr1150Ile (NM_001330077.2, NM_001330082.2); c.3407C>T, p.Thr1136Ile (NM_001330083.2, NM_001330084.2); c.3446C>T, p.Thr1149Ile (NM_001330085.2); c.3473C>T, p.Thr1158Ile (NM_001330086.2, NM_004801.6); c.3362C>T, p.Thr1121Ile (NM_001330087.2, NM_001330096.2); c.3392C>T, p.Thr1131Ile (NM_001330088.2); c.368C>T, p.Thr123Ile (NM_001330091.2, NM_001330092.2, NM_001330097.2 and 1 more transcripts); and 3 more; short protein forms T1121I, T1131I, T1136I, T1141I, T1149I, T1150I, T1154I, T1157I.
Identifiers: ClinVar variation 3360701 (VCV003360701.1).
Genomic context (GRCh38, chr2:50,236,862, plus strand): 5'-AGGTAGTCACCCAAGCCTGAAGAACTGTCCACTCGCACCAATACGGCTTCTTTCTGAACA[G>A]TGCTAAAACCTATGGCCAGTCTGTCTGCTCGTGTACTGGGTCGGTCATTAGGAGGCCACT-3'
Protein context (NP_001317007.1, residues 1148-1168): RADRLAIGFS[Thr1158Ile]VQKEAVLVRV

ClinVar aggregate classification (germline): Uncertain significance (1 of 4 stars; one submission).

gnomAD v4.1: 4 of 1,613,326 alleles (0.00025%); highest among the groups gnomAD compares: Non-Finnish European, 0.00034%; no homozygotes.

Submission:

GeneDx
Classification: Uncertain significance. Last evaluated: 2023-07-01. Review status: criteria provided, single submitter. Criteria: GeneDx Variant Classification Process June 2021. Collection method: clinical testing. Allele origin: germline. Affected: yes.
Comment: Not observed at significant frequency in large population cohorts (gnomAD); In silico analysis supports that this missense variant has a deleterious effect on protein structure/function; Has not been previously published as pathogenic or benign to our knowledge